The following is an entry in ClinVar:

ClinVar aggregate classification (germline): Uncertain significance (1 of 4 stars; one submission).

Conditions:
KANSL1-related disorder. Also called: KANSL1-related condition.

Submission:

PreventionGenetics, part of Exact Sciences
Classification: Uncertain significance for KANSL1-related condition. Last evaluated: 2025-09-13. Review status: criteria provided, single submitter. Criteria: ACMG Guidelines, 2015. Collection method: clinical testing. Allele origin: germline.
Comment: The KANSL1 c.2411A>G variant is predicted to result in the amino acid substitution p.Asp804Gly. To our knowledge, this variant has not been reported in the literature or in a large population database (gnomAD), indicating this variant is rare. At this time, the clinical significance of this variant is uncertain due to the absence of conclusive functional and genetic evidence.

NM_015443.4(KANSL1):c.2411A>G (p.Asp804Gly)

Gene: KANSL1 (KAT8 regulatory NSL complex subunit 1). Cytogenetic location: 17q21.31.
Variant type: single nucleotide variant.
Coding change: c.2411A>G on transcript NM_015443.4 (MANE Select); coding-DNA position 2411, A replaced by G.
Protein change: p.Asp804Gly; replaces aspartic acid 804 with glycine.
Molecular consequence: missense variant.
Genome position (GRCh38, 1-based): chr17:46,038,668, T>C on the plus strand (A>G on the coding strand, the complement: KANSL1 is on the minus strand). VCF-style: chr17-46038668-T-C. GRCh37 (hg19) VCF-style: chr17-44116034-T-C.
Other names: c.2411A>G, p.Asp804Gly (NM_001193465.2, NM_001193466.2, NM_001379198.1 and 8 more transcripts); c.2309A>G, p.Asp770Gly (NM_001405859.1, NM_001405860.1, NM_001405861.1 and 1 more transcripts); c.2222A>G, p.Asp741Gly (NM_001405875.1, NM_001405876.1, NM_001405877.1 and 3 more transcripts); c.1145A>G, p.Asp382Gly (NM_001405882.1, NM_001405883.1); c.956A>G, p.Asp319Gly (NM_001405884.1, NM_001405885.1); short protein forms D319G, D382G, D741G, D804G, D770G.
Identifiers: ClinVar variation 4997751 (VCV004997751.1).
Genomic context (GRCh38, chr17:46,038,668, plus strand): 5'-CGCACCAAGGGACTGTGTGGAGGATGGTGGGTGGCTGCCAAGTAGCTCGAACTGCTCATG[T>C]CTGTGTGATGCTTCAACACTGCAGAAGTCAACAGAAAAGAGAGAAATACATGGCTATCTT-3'
Protein context (NP_056258.1, residues 794-814): ERSEVLKHHT[Asp804Gly]MSSSSYLAAT